The following is an entry in ClinVar:

ClinVar aggregate classification (germline): Pathogenic. Review status: criteria provided, multiple submitters, no conflicts (2 of 4 stars). 2 submissions from 2 submitters: Pathogenic (2). Last evaluated 2025-01-10.

Conditions:
Deficiency of steroid 17-alpha-monooxygenase. Also called: 17-ALPHA-HYDROXYLASE DEFICIENCY; Congenital adrenal hyperplasia due to 17-alpha-hydroxylase deficiency; Congenital adrenal hyperplasia type 5; 17-alpha-hydroxylase/17,20-lyase deficiency; ADRENAL HYPERPLASIA V. Identifiers: Orphanet 90793, MedGen C0268285, MONDO:0008730, OMIM 202110.

Allele frequency attached by ClinVar (database versions not stated): gnomAD exomes below 0.00001.

Submissions (2):

Natera, Inc.
Classification: Pathogenic for Deficiency of steroid 17-alpha-monooxygenase. Last evaluated: 2025-01-10. Review status: criteria provided, single submitter. Criteria: Natera Variant Classification Schema (03/2026). Collection method: clinical testing. Allele origin: germline.
Comment: The c.849delC variant in CYP17A1 is a frameshift variant predicted to shift the reading frame beginning at codon 284 and leads to a stop codon 13 codons downstream. This variant is expected to result in nonsense mediated decay, truncation, or a dysfunctional protein product. This variant is rare in the general population with a frequency below the threshold expected for the associated phenotype(s). This variant has been observed in one or more individuals affected with the associated recessive disease, as either homozygous or compound heterozygous with a second variant (PMID: 38825729). Given the available evidence, this variant is classified as Pathogenic.

Labcorp Genetics (formerly Invitae), Labcorp
Classification: Pathogenic. Last evaluated: 2021-02-22. Review status: criteria provided, single submitter. Criteria: Invitae Variant Classification Sherloc (09022015). Collection method: clinical testing. Allele origin: germline.
Comment: This sequence change creates a premature translational stop signal (p.Ser284Glnfs*13) in the CYP17A1 gene. It is expected to result in an absent or disrupted protein product. Loss-of-function variants in CYP17A1 are known to be pathogenic (PMID: 17192295, 20197673, 24140098). This variant is not present in population databases (ExAC no frequency). This variant has not been reported in the literature in individuals with CYP17A1-related conditions. For these reasons, this variant has been classified as Pathogenic.

Literature cited by the submitters: PubMed 38825729 (cited by Natera, Inc.); PubMed 17192295 (cited by Labcorp Genetics (formerly Invitae), Labcorp); PubMed 20197673 (cited by Labcorp Genetics (formerly Invitae), Labcorp); PubMed 24140098 (cited by Labcorp Genetics (formerly Invitae), Labcorp).

NM_000102.4(CYP17A1):c.849del (p.Ser284fs)

Genes: CYP17A1-AS1 (CYP17A1 antisense RNA 1; plus strand), CYP17A1 (cytochrome P450 family 17 subfamily A member 1; minus strand). Cytogenetic location: 10q24.32.
Variant type: Deletion.
Coding change: c.849del on transcript NM_000102.4 (MANE Select); coding-DNA position 849, one base deleted (C; older notation c.849delC).
Protein change: p.Ser284fs; shifts the reading frame from serine 284.
Molecular consequence: frameshift variant.
Genome position (GRCh38, 1-based): chr10:102,833,113, G deleted on the plus strand (C on the coding strand, the reverse complement: CYP17A1 is on the minus strand). VCF-style (leftmost placement, unchanged base first): chr10-102833112-AG-A. GRCh37 (hg19) VCF-style: chr10-104592869-AG-A.
Other names: c.849delC (NM_000102.3); short protein forms S284fs.
Identifiers: ClinVar variation 1417434 (VCV001417434.7), dbSNP rs1564778398, ClinGen allele CA918749779.